The following is an entry in ClinVar:

NM_000256.3(MYBPC3):c.954_963del (p.Glu318fs)

Gene: MYBPC3 (myosin binding protein C3; minus strand). Cytogenetic location: 11p11.2.
Variant type: Deletion.
Coding change: c.954_963del on transcript NM_000256.3 (MANE Select); coding-DNA positions 954 to 963, 10 bases deleted (GGAGGACGTG; older notation c.954_963delGGAGGACGTG).
Protein change: p.Glu318fs; shifts the reading frame from glutamic acid 318.
Molecular consequence: frameshift variant.
Genome position (GRCh38, 1-based): chr11:47,346,334-47,346,343, CACGTCCTCC deleted on the plus strand (GGAGGACGTG on the coding strand, the reverse complement: MYBPC3 is on the minus strand). VCF-style (leftmost placement, unchanged base first): chr11-47346333-ACACGTCCTCC-A. GRCh37 (hg19) VCF-style: chr11-47367884-ACACGTCCTCC-A.
Other names: short protein forms E318fs.
Identifiers: ClinVar variation 4726199 (VCV004726199.1).

ClinVar aggregate classification (germline): Pathogenic (1 of 4 stars; one submission).

Conditions:
Hypertrophic cardiomyopathy. Also called: HYPERTROPHIC MYOCARDIOPATHY. Identifiers: Orphanet 217569, MedGen C0007194, MeSH D002312, MONDO:0005045, HP:0001639.

Submission:

Labcorp Genetics (formerly Invitae), Labcorp
Classification: Pathogenic for Hypertrophic cardiomyopathy. Last evaluated: 2025-11-21. Review status: criteria provided, single submitter. Criteria: Invitae Variant Classification Sherloc (09022015). Collection method: clinical testing. Allele origin: germline.
Comment: This sequence change creates a premature translational stop signal (p.Glu318Aspfs*29) in the MYBPC3 gene. It is expected to result in an absent or disrupted protein product. Loss-of-function variants in MYBPC3 are known to be pathogenic (PMID: 19574547). This variant is not present in population databases (gnomAD no frequency). This variant has not been reported in the literature in individuals affected with MYBPC3-related conditions. For these reasons, this variant has been classified as Pathogenic.

Literature cited by the submitters: PubMed 19574547.